The following is an entry in ClinVar:

ClinVar aggregate classification (germline): Uncertain significance (1 of 4 stars; one submission).

Allele frequency attached by ClinVar (database versions not stated): ExAC 0.00004.
gnomAD v4.1: 38 of 1,613,972 alleles (0.0024%); highest among the groups gnomAD compares: Admixed American, 0.0083%; no homozygotes.

Submission:

Labcorp Genetics (formerly Invitae), Labcorp
Classification: Uncertain significance. Last evaluated: 2024-10-24. Review status: criteria provided, single submitter. Criteria: Invitae Variant Classification Sherloc (09022015). Collection method: clinical testing. Allele origin: germline.
Comment: This sequence change replaces arginine, which is basic and polar, with tryptophan, which is neutral and slightly polar, at codon 78 of the MAPKBP1 protein (p.Arg78Trp). This variant is present in population databases (rs764180765, gnomAD 0.02%). This variant has not been reported in the literature in individuals affected with MAPKBP1-related conditions. ClinVar contains an entry for this variant (Variation ID: 2179879). An algorithm developed to predict the effect of missense changes on protein structure and function (PolyPhen-2) suggests that this variant is likely to be disruptive. In summary, the available evidence is currently insufficient to determine the role of this variant in disease. Therefore, it has been classified as a Variant of Uncertain Significance.

NM_014994.3(MAPKBP1):c.232C>T (p.Arg78Trp)

Gene: MAPKBP1 (mitogen-activated protein kinase binding protein 1; plus strand). Cytogenetic location: 15q15.1.
Variant type: single nucleotide variant.
Coding change: c.232C>T on transcript NM_014994.3 (MANE Select); coding-DNA position 232, C replaced by T.
Protein change: p.Arg78Trp; replaces arginine 78 with tryptophan.
Molecular consequence: missense variant. On other transcripts: non-coding transcript variant (2).
Genome position (GRCh38, 1-based): chr15:41,810,908, C>T. VCF-style: chr15-41810908-C-T. GRCh37 (hg19) VCF-style: chr15-42103106-C-T.
Other names: c.232C>T, p.Arg78Trp (NM_001128608.2, NM_001265611.2); short protein forms R78W.
Identifiers: ClinVar variation 2179879 (VCV002179879.4), dbSNP rs764180765, ClinGen allele CA7497470.